The following is an entry in ClinVar:

NM_182493.3(MYLK3):c.2069C>A (p.Ser690Ter)

Gene: MYLK3 (myosin light chain kinase 3; minus strand). Cytogenetic location: 16q11.2.
Variant type: single nucleotide variant.
Coding change: c.2069C>A on transcript NM_182493.3 (MANE Select); coding-DNA position 2069, C replaced by A.
Protein change: p.Ser690Ter; replaces serine 690 with a stop codon.
Molecular consequence: nonsense.
Genome position (GRCh38, 1-based): chr16:46,712,693, G>T on the plus strand (C>A on the coding strand, the complement: MYLK3 is on the minus strand). VCF-style: chr16-46712693-G-T. GRCh37 (hg19) VCF-style: chr16-46746605-G-T.
Other names: c.1046C>A, p.Ser349Ter (NM_001308301.1); short protein forms S690*, S349*.
Identifiers: ClinVar variation 1963451 (VCV001963451.5), dbSNP rs1424060095, ClinGen allele CA395787833.

ClinVar aggregate classification (germline): Uncertain significance (1 of 4 stars; one submission).

gnomAD v4.1: 2 of 1,596,392 alleles (0.00013%); highest among the groups gnomAD compares: Non-Finnish European, 0.000085%; no homozygotes.

Submission:

Labcorp Genetics (formerly Invitae), Labcorp
Classification: Uncertain significance. Last evaluated: 2024-06-03. Review status: criteria provided, single submitter. Criteria: Invitae Variant Classification Sherloc (09022015). Collection method: clinical testing. Allele origin: germline.
Comment: This sequence change creates a premature translational stop signal (p.Ser690*) in the MYLK3 gene. It is expected to result in an absent or disrupted protein product. However, the current clinical and genetic evidence is not sufficient to establish whether loss-of-function variants in MYLK3 cause disease. This variant is not present in population databases (gnomAD no frequency). This variant has not been reported in the literature in individuals affected with MYLK3-related conditions. ClinVar contains an entry for this variant (Variation ID: 1963451). In summary, the available evidence is currently insufficient to determine the role of this variant in disease. Therefore, it has been classified as a Variant of Uncertain Significance.